The following is an entry in ClinVar:

NC_000019.9:g.(?_41847768)_(41854380_?)dup

Gene: TGFB1 (transforming growth factor beta 1; minus strand). Cytogenetic location: 19q13.2.
Variant type: Duplication.
Identifiers: ClinVar variation 3242655 (VCV003242655.1).

ClinVar aggregate classification (germline): Uncertain significance (1 of 4 stars; one submission).

Submission:

Labcorp Genetics (formerly Invitae), Labcorp
Classification: Uncertain significance. Last evaluated: 2022-11-06. Review status: criteria provided, single submitter. Criteria: Invitae Variant Classification Sherloc (09022015). Collection method: clinical testing. Allele origin: unknown.
Comment: In summary, the available evidence is currently insufficient to determine the role of this variant in disease. Therefore, it has been classified as a Variant of Uncertain Significance. This variant has not been reported in the literature in individuals affected with TGFB1-related conditions. This variant is a gross deletion of the genomic region encompassing exon(s) 2-5 of the TGFB1 gene. This deletion is out-of-frame, and is expected to create a premature translational stop signal and result in an absent or disrupted protein product. However, the current clinical and genetic evidence is not sufficient to establish whether loss-of-function variants in TGFB1 cause disease.